The following is an entry in ClinVar:

NM_000384.3(APOB):c.5863G>T (p.Val1955Leu)

Gene: APOB (apolipoprotein B; minus strand). Cytogenetic location: 2p24.1.
Variant type: single nucleotide variant.
Coding change: c.5863G>T on transcript NM_000384.3 (MANE Select); coding-DNA position 5863, G replaced by T.
Protein change: p.Val1955Leu; replaces valine 1955 with leucine.
Molecular consequence: missense variant.
Genome position (GRCh38, 1-based): chr2:21,011,005, C>A on the plus strand (G>T on the coding strand, the complement: APOB is on the minus strand). VCF-style: chr2-21011005-C-A. GRCh37 (hg19) VCF-style: chr2-21233877-C-A.
Other names: short protein forms V1955L.
Identifiers: ClinVar variation 4794702 (VCV004794702.1), dbSNP rs368970025.

ClinVar aggregate classification (germline): Uncertain significance (1 of 4 stars; one submission).

Conditions:
Familial hypobetalipoproteinemia 1. Also called: Hypobetalipoproteinemia, normotriglyceridemic; Acanthocytosis with hypobetalipoproteinemia; APOB-Related Familial Hypobetalipoproteinemia. Identifiers: MedGen C4551990, MONDO:0014252, OMIM 615558.
Hypercholesterolemia, autosomal dominant, type B (FHCL2). Also called: Familial Hypercholesterolemia Type B; APOLIPOPROTEIN B-100, FAMILIAL DEFECTIVE; APOLIPOPROTEIN B-100, FAMILIAL LIGAND-DEFECTIVE; HYPERCHOLESTEROLEMIA, FAMILIAL, DUE TO LIGAND-DEFECTIVE APOLIPOPROTEIN B; APOB-Related Familial Hypercholesterolemia, Autosomal Dominant; Hyperlipoproteinemia Type IIb. Identifiers: MedGen C1704417, MONDO:0007751, OMIM 144010.

gnomAD v4.1: 1 of 1,613,982 alleles (0.000062%); highest among the groups gnomAD compares: Admixed American, 0.0017%; no homozygotes.

Submission:

Labcorp Genetics (formerly Invitae), Labcorp
Classification: Uncertain significance for Familial hypobetalipoproteinemia 1; Hypercholesterolemia, autosomal dominant, type B. Last evaluated: 2025-11-17. Review status: criteria provided, single submitter. Criteria: Invitae Variant Classification Sherloc (09022015). Collection method: clinical testing. Allele origin: germline.
Comment: This sequence change replaces valine, which is neutral and non-polar, with leucine, which is neutral and non-polar, at codon 1955 of the APOB protein (p.Val1955Leu). This variant is not present in population databases (gnomAD no frequency). This variant has not been reported in the literature in individuals affected with APOB-related conditions. Invitae Evidence Modeling of protein sequence and biophysical properties (such as structural, functional, and spatial information, amino acid conservation, physicochemical variation, residue mobility, and thermodynamic stability) indicates that this missense variant is not expected to disrupt APOB protein function with a negative predictive value of 95%. In summary, the available evidence is currently insufficient to determine the role of this variant in disease. Therefore, it has been classified as a Variant of Uncertain Significance.